The following is an entry in ClinVar:

ClinVar aggregate classification (germline): Conflicting classifications of pathogenicity. Review status: criteria provided, conflicting classifications (1 of 4 stars). 2 submissions from 2 submitters: Uncertain significance (1); Likely benign (1). Last evaluated 2025-04-07.

Conditions:
Developmental and epileptic encephalopathy 103 (DEE103). Identifiers: MedGen C5677002, MONDO:0030957, OMIM 619913.
KCNC2-related disorder.

gnomAD v4.1: 446 of 1,613,672 alleles (0.028%); highest among the groups gnomAD compares: South Asian, 0.25%; 1 homozygote.

Submissions (2):

PreventionGenetics, part of Exact Sciences
Classification: Likely benign for KCNC2-related condition. Last evaluated: 2025-04-07. Review status: criteria provided, single submitter. Criteria: ACMG Guidelines, 2015. Collection method: clinical testing. Allele origin: germline.
Comment: This variant is classified as likely benign based on ACMG/AMP sequence variant interpretation guidelines (Richards et al. 2015 PMID: 25741868, with internal and published modifications).

Genetics and Genomic Medicine Centre, NeuroGen Healthcare, NeuroGen Healthcare
Classification: Uncertain significance for Developmental and epileptic encephalopathy 103. Last evaluated: 2024-11-25. Review status: criteria provided, single submitter. Criteria: ACMG Guidelines, 2015. Collection method: clinical testing. Allele origin: unknown. Affected: yes.

NM_139137.4(KCNC2):c.1505A>C (p.Gln502Pro)

Gene: KCNC2 (potassium voltage-gated channel subfamily C member 2; minus strand). Cytogenetic location: 12q21.1.
Variant type: single nucleotide variant.
Coding change: c.1505A>C on transcript NM_139137.4 (MANE Select); coding-DNA position 1505, A replaced by C.
Protein change: p.Gln502Pro; replaces glutamine 502 with proline.
Molecular consequence: missense variant. On other transcripts: non-coding transcript variant (1).
Genome position (GRCh38, 1-based): chr12:75,050,500, T>G on the plus strand (A>C on the coding strand, the complement: KCNC2 is on the minus strand). VCF-style: chr12-75050500-T-G. GRCh37 (hg19) VCF-style: chr12-75444280-T-G.
Other names: c.1505A>C, p.Gln502Pro (NM_001260499.2, NM_001414192.1, NM_001414193.1 and 13 more transcripts); c.1505A>C (NM_139137.3); short protein forms Q502P.
Identifiers: ClinVar variation 4852964 (VCV004852964.2).
Genomic context (GRCh38, chr12:75,050,500, plus strand): 5'-CTCTGTGTACTATTGCAGGCCATATTTAATTCTGTCTTGCAAAAAGTAGGTGAGCTTGCC[T>G]GAGGAGCAGGAGGGATGTGCTTCTTTCTTTTCCTTGGAAGTTTCTGCTTTGCCATTGCCA-3'
Protein context (NP_631875.1, residues 492-512): KRKKHIPPAP[Gln502Pro]ASSPTFCKTE